The following is an entry in ClinVar:

ClinVar aggregate classification (germline): Uncertain significance (1 of 4 stars; one submission).

Submission:

GeneDx
Classification: Uncertain significance. Last evaluated: 2026-03-04. Review status: criteria provided, single submitter. Criteria: GeneDx Variant Classification Process June 2021. Collection method: clinical testing. Allele origin: germline.
Comment: Not observed at significant frequency in large population cohorts (gnomAD); In silico analysis suggests that this missense variant does not alter protein structure/function; Has not been previously published as pathogenic or benign to our knowledge

NM_014946.4(SPAST):c.91C>T (p.Pro31Ser)

Gene: SPAST (spastin; plus strand). Cytogenetic location: 2p22.3.
Variant type: single nucleotide variant.
Coding change: c.91C>T on transcript NM_014946.4 (MANE Select); coding-DNA position 91, C replaced by T.
Protein change: p.Pro31Ser; replaces proline 31 with serine.
Molecular consequence: missense variant.
Genome position (GRCh38, 1-based): chr2:32,063,922, C>T. VCF-style: chr2-32063922-C-T. GRCh37 (hg19) VCF-style: chr2-32288991-C-T.
Other names: c.91C>T, p.Pro31Ser (NM_001363823.2, NM_001363875.2, NM_001377959.1 and 1 more transcripts); short protein forms P31S.
Identifiers: ClinVar variation 5008591 (VCV005008591.1).